The following is an entry in ClinVar:

ClinVar aggregate classification (germline): Conflicting classifications of pathogenicity. Review status: criteria provided, conflicting classifications (1 of 4 stars). 3 submissions from 3 submitters: Uncertain significance (2); Benign (1). Last evaluated 2026-01-27.

Conditions:
Neuroblastoma, susceptibility to, 3. Also called: ALK-Related Neuroblastic Tumor Susceptibility. Identifiers: Orphanet 635, MedGen C2751681, MONDO:0013083, OMIM 613014.
Hereditary cancer-predisposing syndrome. Also called: Hereditary neoplastic syndrome; Neoplastic Syndromes, Hereditary; Hereditary Cancer Syndrome; Tumor predisposition. Identifiers: Orphanet 140162, MedGen C0027672, MeSH D009386, MONDO:0015356.

Allele frequency attached by ClinVar (database versions not stated): gnomAD 0.00001 and 0.00003; TOPMed 0.00008.
gnomAD v4.1: 18 of 1,612,500 alleles (0.0011%); highest among the groups gnomAD compares: East Asian, 0.029%; no homozygotes.

Submissions (3):

Labcorp Genetics (formerly Invitae), Labcorp
Classification: Uncertain significance for Neuroblastoma, susceptibility to, 3. Last evaluated: 2026-01-27. Review status: criteria provided, single submitter. Criteria: Invitae Variant Classification Sherloc (09022015). Collection method: clinical testing. Allele origin: germline.
Comment: This sequence change replaces lysine, which is basic and polar, with asparagine, which is neutral and polar, at codon 1416 of the ALK protein (p.Lys1416Asn). This variant is present in population databases (rs55782189, gnomAD 0.06%). This missense change has been observed in individual(s) with glioma (PMID: 33486679). ClinVar contains an entry for this variant (Variation ID: 573190). An algorithm developed to predict the effect of missense changes on protein structure and function (PolyPhen-2) suggests that this variant is likely to be tolerated. In summary, the available evidence is currently insufficient to determine the role of this variant in disease. Therefore, it has been classified as a Variant of Uncertain Significance.

Ambry Genetics
Classification: Benign for Hereditary cancer-predisposing syndrome. Last evaluated: 2024-06-28. Review status: criteria provided, single submitter. Criteria: Ambry Variant Classification Scheme 2023. Collection method: clinical testing. Allele origin: germline.

GeneDx
Classification: Uncertain significance. Last evaluated: 2021-06-15. Review status: criteria provided, single submitter. Criteria: GeneDx Variant Classification Process June 2021. Collection method: clinical testing. Allele origin: germline. Affected: yes.
Comment: In silico analysis supports that this missense variant does not alter protein structure/function; Has not been previously published as pathogenic or benign to our knowledge; This variant is associated with the following publications: (PMID: Lai2018[Abstract], 27535533)

Literature cited by the submitters: PubMed 33486679 (cited by Labcorp Genetics (formerly Invitae), Labcorp).

NM_004304.5(ALK):c.4248G>T (p.Lys1416Asn)

Gene: ALK (ALK receptor tyrosine kinase; minus strand). Cytogenetic location: 2p23.2.
Variant type: single nucleotide variant.
Coding change: c.4248G>T on transcript NM_004304.5 (MANE Select); coding-DNA position 4248, G replaced by T.
Protein change: p.Lys1416Asn; replaces lysine 1416 with asparagine.
Molecular consequence: missense variant.
Genome position (GRCh38, 1-based): chr2:29,193,839, C>A on the plus strand (G>T on the coding strand, the complement: ALK is on the minus strand). VCF-style: chr2-29193839-C-A. GRCh37 (hg19) VCF-style: chr2-29416705-C-A.
Other names: c.1044G>T, p.Lys348Asn (NM_001353765.2); short protein forms K1416N, K348N.
Identifiers: ClinVar variation 573190 (VCV000573190.11), dbSNP rs55782189, ClinGen allele CA1593609.
Genomic context (GRCh38, chr2:29,193,839, plus strand): 5'-GCGCTCCTCCTCCCGTTTTGCCTGTTGAGAGACCAGGAGAGGAGGAACCCCCTCAGGGTC[C>A]TTGGGCCTCACAGGCACTTTCTCTTCCTCTTCCACAAGTGGACCATATTCTATCGGCAAA-3'
Protein context (NP_004295.2, residues 1406-1426): EEEEKVPVRP[Lys1416Asn]DPEGVPPLLV